The following is an entry in ClinVar:

ClinVar aggregate classification (germline): Conflicting classifications of pathogenicity. Review status: criteria provided, conflicting classifications (1 of 4 stars). 3 submissions from 3 submitters: Uncertain significance (1); Likely benign (2). Last evaluated 2024-08-01.

Conditions:
Inborn genetic diseases. Identifiers: MedGen C0950123, MeSH D030342.

Allele frequency attached by ClinVar (database versions not stated): TOPMed 0.00002; ESP Exome Variant Server 0.00008.
gnomAD v4.1: 56 of 1,614,214 alleles (0.0035%); highest among the groups gnomAD compares: Middle Eastern, 0.016%; no homozygotes.

Submissions (3):

CeGaT Center for Human Genetics Tuebingen
Classification: Likely benign. Last evaluated: 2024-08-01. Review status: criteria provided, single submitter. Criteria: CeGaT Center For Human Genetics Tuebingen Variant Classification Criteria Version 2. Collection method: clinical testing. Allele origin: germline. Affected: yes. Observed: 2 variant alleles.
Comment: TCF20: BP4

Labcorp Genetics (formerly Invitae), Labcorp
Classification: Uncertain significance. Last evaluated: 2024-05-06. Review status: criteria provided, single submitter. Criteria: Invitae Variant Classification Sherloc (09022015). Collection method: clinical testing. Allele origin: germline.
Comment: This sequence change replaces aspartic acid, which is acidic and polar, with asparagine, which is neutral and polar, at codon 594 of the TCF20 protein (p.Asp594Asn). This variant is present in population databases (rs375607848, gnomAD 0.01%). This variant has not been reported in the literature in individuals affected with TCF20-related conditions. ClinVar contains an entry for this variant (Variation ID: 1979516). An algorithm developed to predict the effect of missense changes on protein structure and function (PolyPhen-2) suggests that this variant is likely to be tolerated. In summary, the available evidence is currently insufficient to determine the role of this variant in disease. Therefore, it has been classified as a Variant of Uncertain Significance.

Ambry Genetics
Classification: Likely benign for Inborn genetic diseases. Last evaluated: 2022-06-29. Review status: criteria provided, single submitter. Criteria: Ambry Variant Classification Scheme 2023. Collection method: clinical testing. Allele origin: germline.

NM_001378418.1(TCF20):c.1780G>A (p.Asp594Asn)

Gene: TCF20 (transcription factor 20; minus strand). Cytogenetic location: 22q13.2.
Variant type: single nucleotide variant.
Coding change: c.1780G>A on transcript NM_001378418.1 (MANE Select); coding-DNA position 1780, G replaced by A.
Protein change: p.Asp594Asn; replaces aspartic acid 594 with asparagine.
Molecular consequence: missense variant.
Genome position (GRCh38, 1-based): chr22:42,213,526, C>T on the plus strand (G>A on the coding strand, the complement: TCF20 is on the minus strand). VCF-style: chr22-42213526-C-T. GRCh37 (hg19) VCF-style: chr22-42609532-C-T.
Other names: c.1780G>A, p.Asp594Asn (NM_005650.4, NM_181492.3); short protein forms D594N.
Identifiers: ClinVar variation 1979516 (VCV001979516.26), dbSNP rs375607848, ClinGen allele CA10267117.